The following is an entry in ClinVar:

NM_003280.3(TNNC1):c.470T>G (p.Met157Arg)

Gene: TNNC1 (troponin C1, slow skeletal and cardiac type; minus strand). Cytogenetic location: 3p21.1.
Variant type: single nucleotide variant.
Coding change: c.470T>G on transcript NM_003280.3 (MANE Select); coding-DNA position 470, T replaced by G.
Protein change: p.Met157Arg; replaces methionine 157 with arginine.
Molecular consequence: missense variant.
Genome position (GRCh38, 1-based): chr3:52,451,291, A>C on the plus strand (T>G on the coding strand, the complement: TNNC1 is on the minus strand). VCF-style: chr3-52451291-A-C. GRCh37 (hg19) VCF-style: chr3-52485307-A-C.
Other names: short protein forms M157R.
Identifiers: ClinVar variation 1370520 (VCV001370520.6), dbSNP rs2153229911, ClinGen allele CA353164679.
Genomic context (GRCh38, chr3:52,451,291, plus strand): 5'-GAGTTGGAGGCTGGGCATAGGCAGCTCTGGGTGAAGGTCAGCATCTACTCCACACCCTTC[A>C]TGAACTCCAGGAACTCTGTGGAAAGAGGGGCAGGTGTGGGTTGAGGGTAGGGGCTGGGCA-3'
Protein context (NP_003271.1, residues 147-161): RIDYDEFLEF[Met157Arg]KGVE

ClinVar aggregate classification (germline): Uncertain significance (1 of 4 stars; one submission).

Conditions:
Dilated cardiomyopathy 1Z (CMD1Z). Identifiers: Orphanet 154, MedGen C2678475, MONDO:0012745, OMIM 611879.
Hypertrophic cardiomyopathy 13. Also called: TNNC1-Related Familial Hypertrophic Cardiomyopathy. Identifiers: MedGen C2750472, MONDO:0013195, OMIM 613243.

Submission:

Labcorp Genetics (formerly Invitae), Labcorp
Classification: Uncertain significance for Hypertrophic cardiomyopathy 13; Dilated cardiomyopathy 1Z. Last evaluated: 2021-07-28. Review status: criteria provided, single submitter. Criteria: Invitae Variant Classification Sherloc (09022015). Collection method: clinical testing. Allele origin: germline.
Comment: Algorithms developed to predict the effect of missense changes on protein structure and function (SIFT, PolyPhen-2, Align-GVGD) all suggest that this variant is likely to be disruptive. In summary, the available evidence is currently insufficient to determine the role of this variant in disease. Therefore, it has been classified as a Variant of Uncertain Significance. This sequence change replaces methionine with arginine at codon 157 of the TNNC1 protein (p.Met157Arg). The methionine residue is highly conserved and there is a moderate physicochemical difference between methionine and arginine. This variant is not present in population databases (ExAC no frequency). This variant has not been reported in the literature in individuals affected with TNNC1-related conditions.